The following is an entry in ClinVar:

ClinVar aggregate classification (germline): Benign/Likely benign. Review status: criteria provided, single submitter (1 of 4 stars). 3 submissions from 1 submitter: Benign (2); Likely benign (1). Last evaluated 2018-01-13.

Conditions:
TP63-Related Spectrum Disorders.
Orofacial cleft 8. Also called: Cleft lip with or without cleft palate, nonsyndromic, 8. Identifiers: MedGen C1851878, MONDO:0029145, OMIM 618149.
Ectrodactyly, ectodermal dysplasia, and cleft lip-palate syndrome 3. Also called: Ectrodactyly, Ectodermal Dysplasia, Clefting Syndrome; EEC SYNDROME 3; Ectrodactyly, Ectodermal Dysplasia, Clefting Syndrome Type 3 (EEC3); Ectrodactyly, Ectodermal Dysplasia, Cleft Lip/Palate Syndrome 3 (EEC3). Identifiers: Orphanet 1896, MedGen C1858562, MONDO:0011428, OMIM 604292.

Allele frequency attached by ClinVar (database versions not stated): gnomAD 0.00006 and 0.00007; TOPMed 0.00010; 1000 Genomes Project 30x 0.00031; 1000 Genomes Project 0.00040.
gnomAD v4.1: 14 of 231,634 alleles (0.006%); highest among the groups gnomAD compares: Admixed American, 0.031%; no homozygotes.

Submissions (3):

Illumina Laboratory Services, Illumina
Classification: Benign for Ectrodactyly, ectodermal dysplasia, and cleft lip-palate syndrome 3. Last evaluated: 2018-01-13. Review status: criteria provided, single submitter. Criteria: ICSL Variant Classification Criteria 13 December 2019. Collection method: clinical testing. Allele origin: germline.
Comment: This variant was observed in the ICSL laboratory as part of a predisposition screen in an ostensibly healthy population. It had not been previously curated by ICSL or reported in the Human Gene Mutation Database (HGMD: prior to June 1st, 2018), and was therefore a candidate for classification through an automated scoring system. Utilizing variant allele frequency, disease prevalence and penetrance estimates, and inheritance mode, an automated score was calculated to assess if this variant is too frequent to cause the disease. Based on the score and internal cut-off values, a variant classified as benign is not then subjected to further curation. The score for this variant resulted in a classification of benign for this disease.

Illumina Laboratory Services, Illumina
Classification: Benign for TP63-Related Spectrum Disorders. Last evaluated: 2018-01-13. Review status: criteria provided, single submitter. Criteria: ICSL Variant Classification Criteria 13 December 2019. Collection method: clinical testing. Allele origin: germline.
Comment: the same text as in the submission from Illumina Laboratory Services, Illumina above.

Illumina Laboratory Services, Illumina
Classification: Likely benign for Orofacial cleft 8. Last evaluated: 2018-01-13. Review status: criteria provided, single submitter. Criteria: ICSL Variant Classification Criteria 13 December 2019. Collection method: clinical testing. Allele origin: germline.
Comment: This variant was observed in the ICSL laboratory as part of a predisposition screen in an ostensibly healthy population. It had not been previously curated by ICSL or reported in the Human Gene Mutation Database (HGMD: prior to June 1st, 2018), and was therefore a candidate for classification through an automated scoring system. Utilizing variant allele frequency, disease prevalence and penetrance estimates, and inheritance mode, an automated score was calculated to assess if this variant is too frequent to cause the disease. Based on the score and internal cut-off values, a variant classified as likely benign is not then subjected to further curation. The score for this variant resulted in a classification of likely benign for this disease.

NM_003722.5(TP63):c.*379T>A

Gene: TP63 (tumor protein p63; plus strand). Cytogenetic location: 3q28.
Variant type: single nucleotide variant.
Coding change: c.*379T>A on transcript NM_003722.5 (MANE Select); 379 bases downstream of the stop codon, T replaced by A.
Molecular consequence: 3 prime UTR variant.
Genome position (GRCh38, 1-based): chr3:189,894,881, T>A. VCF-style: chr3-189894881-T-A. GRCh37 (hg19) VCF-style: chr3-189612670-T-A.
Other names: c.*660T>A (NM_001114978.2, NM_001114981.2); c.*379T>A (NM_001114980.2, NM_001329146.2, NM_001329148.2 and 1 more transcripts); c.*650T>A (NM_001329144.2, NM_001329145.2, NM_001329149.2 and 1 more transcripts).
Identifiers: ClinVar variation 344397 (VCV000344397.6), dbSNP rs192879052, ClinGen allele CA10615912.